The following is an entry in ClinVar:

ClinVar aggregate classification (germline): Uncertain significance. Review status: criteria provided, multiple submitters, no conflicts (2 of 4 stars). 3 submissions from 3 submitters: Uncertain significance (3). Last evaluated 2026-08-01.

Conditions:
Charcot-Marie-Tooth disease type 4. Also called: Charcot-Marie-Tooth disease, type IV; Charcot-Marie-Tooth, Type 4. Identifiers: Orphanet 64749, MedGen C4082197, MONDO:0018995.

Allele frequency attached by ClinVar (database versions not stated): ExAC 0.00001; gnomAD 0.00001; TOPMed 0.00001; gnomAD exomes 0.00002 and 0.00004.
gnomAD v4.1: 58 of 1,582,840 alleles (0.0037%); highest among the groups gnomAD compares: Non-Finnish European, 0.0048%; no homozygotes.

Submissions (3):

CeGaT Center for Human Genetics Tuebingen
Classification: Uncertain significance. Last evaluated: 2026-08-01. Review status: criteria provided, single submitter. Criteria: CeGaT Center For Human Genetics Tuebingen Variant Classification Criteria Version 2. Collection method: clinical testing. Allele origin: germline. Affected: yes. Observed: 1 variant allele.
Comment: FIG4: PM2, PP3

Labcorp Genetics (formerly Invitae), Labcorp
Classification: Uncertain significance for Charcot-Marie-Tooth disease type 4. Last evaluated: 2022-08-30. Review status: criteria provided, single submitter. Criteria: Invitae Variant Classification Sherloc (09022015). Collection method: clinical testing. Allele origin: germline.
Comment: This sequence change replaces valine, which is neutral and non-polar, with alanine, which is neutral and non-polar, at codon 27 of the FIG4 protein (p.Val27Ala). This variant is present in population databases (rs769687105, gnomAD 0.003%). This variant has not been reported in the literature in individuals affected with FIG4-related conditions. ClinVar contains an entry for this variant (Variation ID: 543402). Algorithms developed to predict the effect of missense changes on protein structure and function are either unavailable or do not agree on the potential impact of this missense change (SIFT: "Deleterious"; PolyPhen-2: "Probably Damaging"; Align-GVGD: "Class C0"). In summary, the available evidence is currently insufficient to determine the role of this variant in disease. Therefore, it has been classified as a Variant of Uncertain Significance.

GeneDx
Classification: Uncertain significance. Last evaluated: 2022-01-31. Review status: criteria provided, single submitter. Criteria: GeneDx Variant Classification Process June 2021. Collection method: clinical testing. Allele origin: germline. Affected: yes.
Comment: Not observed at significant frequency in large population cohorts (gnomAD); In silico analysis supports that this missense variant has a deleterious effect on protein structure/function; Has not been previously published as pathogenic or benign to our knowledge

NM_014845.6(FIG4):c.80T>C (p.Val27Ala)

Gene: FIG4 (FIG4 phosphoinositide 5-phosphatase; plus strand). Cytogenetic location: 6q21.
Variant type: single nucleotide variant.
Coding change: c.80T>C on transcript NM_014845.6 (MANE Select); coding-DNA position 80, T replaced by C.
Protein change: p.Val27Ala; replaces valine 27 with alanine.
Molecular consequence: missense variant.
Genome position (GRCh38, 1-based): chr6:109,715,091, T>C. VCF-style: chr6-109715091-T-C. GRCh37 (hg19) VCF-style: chr6-110036294-T-C.
Other names: short protein forms V27A.
Identifiers: ClinVar variation 543402 (VCV000543402.10), dbSNP rs769687105, ClinGen allele CA3955668.
Genomic context (GRCh38, chr6:109,715,091, plus strand): 5'-AGGGCAAAATGCTTTGATAAACTAATGACATTCCTTTTTATTTATAGAGATACTTTCTAG[T>C]TGGGAGCAATAATGCAGAAACGAAATATCGTGTCTTGAAGATTGATAGAACAGAACCAAA-3'
Protein context (NP_055660.1, residues 17-37): LYETRARYFL[Val27Ala]GSNNAETKYR